The following is an entry in ClinVar:

NM_002439.5(MSH3):c.314A>C (p.Gln105Pro)

Gene: MSH3 (mutS homolog 3; plus strand). Cytogenetic location: 5q14.1.
Variant type: single nucleotide variant.
Coding change: c.314A>C on transcript NM_002439.5 (MANE Select); coding-DNA position 314, A replaced by C.
Protein change: p.Gln105Pro; replaces glutamine 105 with proline.
Molecular consequence: missense variant.
Genome position (GRCh38, 1-based): chr5:80,656,487, A>C. VCF-style: chr5-80656487-A-C. GRCh37 (hg19) VCF-style: chr5-79952306-A-C.
Other names: short protein forms Q105P.
Identifiers: ClinVar variation 1728159 (VCV001728159.5), dbSNP rs2546712244, ClinGen allele CA360266384.

ClinVar aggregate classification (germline): Uncertain significance. Review status: criteria provided, multiple submitters, no conflicts (2 of 4 stars). 2 submissions from 2 submitters: Uncertain significance (2). Last evaluated 2023-06-21.

Conditions:
Hereditary cancer-predisposing syndrome. Also called: Tumor predisposition; Neoplastic Syndromes, Hereditary; Hereditary Cancer Syndrome; Hereditary neoplastic syndrome. Identifiers: Orphanet 140162, MedGen C0027672, MeSH D009386, MONDO:0015356.

Submissions (2):

Labcorp Genetics (formerly Invitae), Labcorp
Classification: Uncertain significance. Last evaluated: 2023-06-21. Review status: criteria provided, single submitter. Criteria: Invitae Variant Classification Sherloc (09022015). Collection method: clinical testing. Allele origin: germline.
Comment: This sequence change replaces glutamine, which is neutral and polar, with proline, which is neutral and non-polar, at codon 105 of the MSH3 protein (p.Gln105Pro). This variant is not present in population databases (gnomAD no frequency). This variant has not been reported in the literature in individuals affected with MSH3-related conditions. ClinVar contains an entry for this variant (Variation ID: 1728159). Algorithms developed to predict the effect of missense changes on protein structure and function output the following: SIFT: "Not Available"; PolyPhen-2: "Benign"; Align-GVGD: "Not Available". The proline amino acid residue is found in multiple mammalian species, which suggests that this missense change does not adversely affect protein function. In summary, the available evidence is currently insufficient to determine the role of this variant in disease. Therefore, it has been classified as a Variant of Uncertain Significance.

Ambry Genetics
Classification: Uncertain significance for Hereditary cancer-predisposing syndrome. Last evaluated: 2021-12-20. Review status: criteria provided, single submitter. Criteria: Ambry Variant Classification Scheme 2023. Collection method: clinical testing. Allele origin: germline.
Comment: The p.Q105P variant (also known as c.314A>C), located in coding exon 2 of the MSH3 gene, results from an A to C substitution at nucleotide position 314. The glutamine at codon 105 is replaced by proline, an amino acid with similar properties. This amino acid position is conserved. In addition, this alteration is predicted to be tolerated by in silico analysis. Since supporting evidence is limited at this time, the clinical significance of this alteration remains unclear.